The following is an entry in ClinVar:

ClinVar aggregate classification (germline): Benign/Likely benign. Review status: criteria provided, multiple submitters, no conflicts (2 of 4 stars). 9 submissions from 9 submitters: Benign (3); Likely benign (3). 3 of the submissions do not count toward it. Last evaluated 2026-02-01.

Conditions:
Osteogenesis imperfecta (OI). Identifiers: Orphanet 666, MedGen C0029434, MeSH D010013, MONDO:0019019.
PLS3-related disorder. Also called: PLS3-related condition.

Allele frequency attached by ClinVar (database versions not stated): 1000 Genomes Project 30x 0.00021; 1000 Genomes Project 0.00026; ESP Exome Variant Server 0.00123; ExAC 0.00150; gnomAD exomes 0.00162 and 0.00220; TOPMed 0.00162; gnomAD 0.00180 and 0.00200.
gnomAD v4.1: 2,632 of 1,195,409 alleles (0.22%); highest among the groups gnomAD compares: Non-Finnish European, 0.26%; 3 homozygotes.

Submissions (19):

Labcorp Genetics (formerly Invitae), Labcorp
Classification: Benign. Last evaluated: 2026-02-01. Review status: criteria provided, single submitter. Criteria: Invitae Variant Classification Sherloc (09022015). Collection method: clinical testing. Allele origin: germline.

ARUP Laboratories, Molecular Genetics and Genomics, ARUP Laboratories
Classification: Likely benign. Last evaluated: 2025-07-18. Review status: criteria provided, single submitter. Criteria: ARUP Molecular Germline Variant Investigation Process 2024. Collection method: clinical testing. Allele origin: germline.

Blueprint Genetics
Classification: Likely benign. Last evaluated: 2024-11-21. Review status: criteria provided, single submitter. Criteria: ACMG Guidelines, 2015. Collection method: clinical testing. Allele origin: germline.

Genome Diagnostics Laboratory, The Hospital for Sick Children
Classification: Likely benign for Osteogenesis imperfecta. Last evaluated: 2022-02-28. Review status: criteria provided, single submitter. Criteria: ACMG Guidelines, 2015. Collection method: clinical testing. Allele origin: germline.

GeneDx
Classification: Benign. Last evaluated: 2020-09-22. Review status: criteria provided, single submitter. Criteria: GeneDx Variant Classification Process June 2021. Collection method: clinical testing. Allele origin: germline. Affected: yes.

Breakthrough Genomics
Classification: Benign. Review status: criteria provided, single submitter. Criteria: ACMG Guidelines, 2015. Collection method: not provided. Allele origin: germline. Inheritance: X-linked inheritance. Affected: yes.

PreventionGenetics, part of Exact Sciences
Classification: Likely benign for PLS3-related condition. Last evaluated: 2020-01-29. Review status: no assertion criteria provided. Collection method: clinical testing. Allele origin: germline. Not counted in ClinVar's aggregate classification.
Comment: This variant is classified as likely benign based on ACMG/AMP sequence variant interpretation guidelines (Richards et al. 2015 PMID: 25741868, with internal and published modifications).

Clinical Genetics DNA and cytogenetics Diagnostics Lab, Erasmus MC, Erasmus Medical Center
Classification: Likely benign. Review status: no assertion criteria provided. Collection method: clinical testing. Allele origin: germline. Affected: yes. Study: VKGL Data-share Consensus. Not counted in ClinVar's aggregate classification.

Dr. Peter K. Rogan Lab, Western University
No classification provided (evidence only). Condition: Lung cancer. Review status: no classification provided. Collection method: in vitro. Allele origin: not applicable. Functional consequence: retained intron. Not counted in ClinVar's aggregate classification.

Dr. Peter K. Rogan Lab, Western University
No classification provided (evidence only). Condition: Lung cancer. Review status: no classification provided. Collection method: in vitro. Allele origin: not applicable. Functional consequence: retained intron. Not counted in ClinVar's aggregate classification.

Dr. Peter K. Rogan Lab, Western University
No classification provided (evidence only). Condition: Thyroid cancer, nonmedullary, 1. Review status: no classification provided. Collection method: in vitro. Allele origin: not applicable. Functional consequence: retained intron. Not counted in ClinVar's aggregate classification.

Dr. Peter K. Rogan Lab, Western University
No classification provided (evidence only). Condition: Thyroid cancer, nonmedullary, 1. Review status: no classification provided. Collection method: in vitro. Allele origin: not applicable. Functional consequence: retained intron. Not counted in ClinVar's aggregate classification.

Dr. Peter K. Rogan Lab, Western University
No classification provided (evidence only). Condition: Uterine corpus endometrial carcinoma. Review status: no classification provided. Collection method: in vitro. Allele origin: not applicable. Functional consequence: retained intron. Not counted in ClinVar's aggregate classification.

Dr. Peter K. Rogan Lab, Western University
No classification provided (evidence only). Condition: Cervical cancer. Review status: no classification provided. Collection method: in vitro. Allele origin: not applicable. Functional consequence: retained intron. Not counted in ClinVar's aggregate classification.

Dr. Peter K. Rogan Lab, Western University
No classification provided (evidence only). Condition: Sarcoma. Review status: no classification provided. Collection method: in vitro. Allele origin: not applicable. Functional consequence: retained intron. Not counted in ClinVar's aggregate classification.

Dr. Peter K. Rogan Lab, Western University
No classification provided (evidence only). Condition: Gastric cancer. Review status: no classification provided. Collection method: in vitro. Allele origin: not applicable. Functional consequence: retained intron. Not counted in ClinVar's aggregate classification.

Dr. Peter K. Rogan Lab, Western University
No classification provided (evidence only). Condition: Gastric cancer. Review status: no classification provided. Collection method: in vitro. Allele origin: not applicable. Functional consequence: retained intron. Not counted in ClinVar's aggregate classification.

Dr. Peter K. Rogan Lab, Western University
No classification provided (evidence only). Condition: Adrenocortical carcinoma, hereditary. Review status: no classification provided. Collection method: in vitro. Allele origin: not applicable. Functional consequence: retained intron. Not counted in ClinVar's aggregate classification.

Laboratory of Diagnostic Genome Analysis, Leiden University Medical Center (LUMC)
Classification: Likely benign. Review status: no assertion criteria provided. Collection method: clinical testing. Allele origin: germline. Affected: yes. Study: VKGL Data-share Consensus. Not counted in ClinVar's aggregate classification.

NM_005032.7(PLS3):c.925A>G (p.Ile309Val)

Gene: PLS3 (plastin 3; plus strand). Cytogenetic location: Xq23.
Variant type: single nucleotide variant.
Coding change: c.925A>G on transcript NM_005032.7 (MANE Select); coding-DNA position 925, A replaced by G.
Protein change: p.Ile309Val; replaces isoleucine 309 with valine.
Molecular consequence: missense variant.
Genome position (GRCh38, 1-based): chrX:115,640,441, A>G. VCF-style: chrX-115640441-A-G. GRCh37 (hg19) VCF-style: chrX-114874753-A-G.
Other names: c.925A>G, p.Ile309Val (NM_001136025.5); c.844A>G, p.Ile282Val (NM_001172335.3); c.886A>G, p.Ile296Val (NM_001282337.2); c.790A>G, p.Ile264Val (NM_001282338.2); short protein forms I264V, I282V, I296V, I309V.
Identifiers: ClinVar variation 1206375 (VCV001206375.22), dbSNP rs140968059, ClinGen allele CA10496978.